The following is an entry in ClinVar:

NM_000257.4(MYH7):c.2478T>A (p.Asn826Lys)

Genes: MYH7 (myosin heavy chain 7; minus strand), LOC126861898 (BRD4-independent group 4 enhancer GRCh37_chr14:23893609-23894808; plus strand). Cytogenetic location: 14q11.2.
Variant type: single nucleotide variant.
Coding change: c.2478T>A on transcript NM_000257.4 (MANE Select); coding-DNA position 2478, T replaced by A.
Protein change: p.Asn826Lys; replaces asparagine 826 with lysine.
Molecular consequence: missense variant.
Genome position (GRCh38, 1-based): chr14:23,424,970, A>T on the plus strand (T>A on the coding strand, the complement: MYH7 is on the minus strand). VCF-style: chr14-23424970-A-T. GRCh37 (hg19) VCF-style: chr14-23894179-A-T.
Other names: p.N826K:AAT>AAA; c.2478T>A (LRG_384t1); short protein forms N826K.
Identifiers: ClinVar variation 181373 (VCV000181373.5), dbSNP rs730880898, ClinGen allele CA012437.
Genomic context (GRCh38, chr14:23,424,970, plus strand): 5'-CTCTCTTTCTGCACTCTTCAGCAGCGGCTTGATCTTGAAGTAGAGCTTCATCCAGGGCCA[A>T]TTCTTGACCCCCATGAAGGCCCGAATGTTCCACTGGATTACCAGCAGGGAGTCTCTGCAG-3'
Protein context (NP_000248.2, residues 816-836): WNIRAFMGVK[Asn826Lys]WPWMKLYFKI

ClinVar aggregate classification (germline): Conflicting classifications of pathogenicity. Review status: criteria provided, conflicting classifications (1 of 4 stars). 2 submissions from 2 submitters: Likely pathogenic (1); Uncertain significance (1). Last evaluated 2023-10-28.

Conditions:
Hypertrophic cardiomyopathy. Also called: HYPERTROPHIC MYOCARDIOPATHY. Identifiers: Orphanet 217569, MedGen C0007194, MeSH D002312, MONDO:0005045, HP:0001639.

Submissions (2):

Labcorp Genetics (formerly Invitae), Labcorp
Classification: Uncertain significance for Hypertrophic cardiomyopathy. Last evaluated: 2023-10-28. Review status: criteria provided, single submitter. Criteria: Invitae Variant Classification Sherloc (09022015). Collection method: clinical testing. Allele origin: germline.
Comment: This sequence change replaces asparagine, which is neutral and polar, with lysine, which is basic and polar, at codon 826 of the MYH7 protein (p.Asn826Lys). This variant is not present in population databases (gnomAD no frequency). This variant has not been reported in the literature in individuals affected with MYH7-related conditions. ClinVar contains an entry for this variant (Variation ID: 181373). Advanced modeling of protein sequence and biophysical properties (such as structural, functional, and spatial information, amino acid conservation, physicochemical variation, residue mobility, and thermodynamic stability) performed at Invitae indicates that this missense variant is expected to disrupt MYH7 protein function with a positive predictive value of 95%. In summary, the available evidence is currently insufficient to determine the role of this variant in disease. Therefore, it has been classified as a Variant of Uncertain Significance.

GeneDx
Classification: Likely pathogenic. Last evaluated: 2011-08-05. Review status: criteria provided, single submitter. Criteria: GeneDx Variant Classification (06012015). Collection method: clinical testing. Allele origin: germline. Affected: yes.
Comment: This mutation is denoted p.Asn826Lys (N826K) at the protein level and c.2478 T>A at the cDNA level. The Asn826Lys variant has not been reported as a disease-causing mutation or as a benign polymorphism, to our knowledge. The Asn826Lys results in a non-conservative amino acid substitution of a neutral Asparagine residue with a positively charged Lysine residue at a position that is class conserved in evolution. In silico analysis predicts Asn826Lys to be damaging to the protein structure/function. Additionally, mutations in nearby codons (Gly823Glu, Val824Ile, Trp827Cys) have been reported in association with HCM, further supporting the functional importance of this region of the protein. In summary, with the clinical and molecular information available at this time, we cannot unequivocally determine the clinical significance of Asn826Lys, although evidence suggests it is likely disease-causing. The variant is found in HCM panel(s).